The following is an entry in ClinVar:

NC_000004.11:g.(?_17488754)_(17513677_?)dup

Gene: QDPR (quinoid dihydropteridine reductase; minus strand). Cytogenetic location: 4p15.32.
Variant type: Duplication.
Identifiers: ClinVar variation 1358642 (VCV001358642.4).

ClinVar aggregate classification (germline): Uncertain significance (1 of 4 stars; one submission).

Conditions:
Dihydropteridine reductase deficiency (HPABH4C). Also called: DHPR DEFICIENCY; BH4-Deficient Hyperphenylalaninemia C; Hyperphenylalaninemia due to dihydropteridine reductase deficiency; Hyperphenylalaninemia, BH-4-deficient, C; Phenylketonuria type 2; HYPERPHENYLALANINEMIA, TETRAHYDROBIOPTERIN-DEFICIENT, DUE TO DHPR DEFICIENCY. Identifiers: Orphanet 226, Orphanet 238583, MedGen C0268465, MONDO:0009862, OMIM 261630.

Submission:

Labcorp Genetics (formerly Invitae), Labcorp
Classification: Uncertain significance for Dihydropteridine reductase deficiency. Last evaluated: 2022-10-03. Review status: criteria provided, single submitter. Criteria: Invitae Variant Classification Sherloc (09022015). Collection method: clinical testing. Allele origin: germline.
Comment: A copy number gain of the genomic region encompassing the full coding sequence of the QDPR gene has been identified. The boundaries of this event are unknown as they extend beyond the assayed region for this gene and therefore may encompass additional genes. As the precise location of this event is unknown, it may be in tandem or it may be located elsewhere in the genome. This variant has not been reported in the literature in individuals affected with QDPR-related conditions. In summary, the available evidence is currently insufficient to determine the role of this variant in disease. Therefore, it has been classified as a Variant of Uncertain Significance.